The following is an entry in ClinVar:

ClinVar aggregate classification (germline): Likely pathogenic (1 of 4 stars; one submission).

Conditions:
Catecholaminergic polymorphic ventricular tachycardia 1. Also called: VENTRICULAR TACHYCARDIA, CATECHOLAMINERGIC POLYMORPHIC, 1, WITH OR WITHOUT ATRIAL DYSFUNCTION AND/OR DILATED CARDIOMYOPATHY; RYR2-Related Catecholaminergic Polymorphic Ventricular Tachycardia; VENTRICULAR TACHYCARDIA, STRESS-INDUCED POLYMORPHIC 1. Identifiers: Orphanet 3286, MedGen C1631597, MONDO:0011484, OMIM 604772.

Submission:

Victorian Clinical Genetics Services, Murdoch Childrens Research Institute
Classification: Likely pathogenic for Catecholaminergic polymorphic ventricular tachycardia 1. Last evaluated: 2022-03-31. Review status: criteria provided, single submitter. Criteria: ACMG Guidelines, 2015. Collection method: clinical testing. Allele origin: germline. Inheritance: Autosomal dominant inheritance. Affected: yes.
Comment: Based on the classification scheme VCGS_Germline_v1.3.4, this variant is classified as Likely pathogenic. Following criteria are met: 0103 - Dominant negative and gain of function are known mechanisms of disease in this gene and are associated with catecholaminergic polymorphic ventricular tachycardia 1 (MIM#604772) and left ventricular non-compaction (PMIDs: 12459180, 27646203, 29477366, 31875585, 33500567). (I) 0107 - This gene is associated with autosomal dominant disease. (I) 0112 - The condition associated with this gene has incomplete penetrance. Penetrance for CPVT is estimated to be 60-70% (PMID: 23549275). (I) 0200 - Variant is predicted to result in a missense amino acid change from glutamine to proline. (I) 0251 - This variant is heterozygous. (I) 0301 - Variant is absent from gnomAD (both v2 and v3). (SP) 0501 - Missense variant consistently predicted to be damaging by multiple in silico tools or highly conserved with a major amino acid change. In addition, this variant lies within the splice region and while the nucleotide is highly conserved, aberrant splicing is not predicted by in silico tools. (SP) 0603 - Missense variant in a region that is highly intolerant to missense variation (high constraint region in DECIPHER). (SP) 0705 - No comparable missense variants have previous evidence for pathogenicity. (I) 0807 - This variant has no previous evidence of pathogenicity. (I) 0905 - No published segregation evidence has been identified for this variant. (I) 1007 - No published functional evidence has been identified for this variant. (I) 1102 - Strong phenotype match for this individual. (SP) Legend: (SP) - Supporting pathogenic, (I) - Information, (SB) - Supporting benign

Literature cited by the submitters: PubMed 12459180; PubMed 23549275; PubMed 27646203; PubMed 29477366; PubMed 31875585; PubMed 33500567.

NM_001035.3(RYR2):c.14297A>C (p.Gln4766Pro)

Gene: RYR2 (ryanodine receptor 2; plus strand). Cytogenetic location: 1q43.
Variant type: single nucleotide variant.
Coding change: c.14297A>C on transcript NM_001035.3 (MANE Select); coding-DNA position 14297, A replaced by C.
Protein change: p.Gln4766Pro; replaces glutamine 4766 with proline.
Molecular consequence: missense variant.
Genome position (GRCh38, 1-based): chr1:237,806,282, A>C. VCF-style: chr1-237806282-A-C. GRCh37 (hg19) VCF-style: chr1-237969582-A-C.
Other names: short protein forms Q4766P.
Identifiers: ClinVar variation 2500749 (VCV002500749.2), dbSNP rs2528138701, ClinGen allele CA345423407.